The following is an entry in ClinVar:

ClinVar aggregate classification (germline): Uncertain significance (1 of 4 stars; one submission).

Conditions:
Cardiovascular phenotype. Identifiers: MedGen CN230736.

gnomAD v4.1: 1 of 1,607,992 alleles (0.000062%); highest among the groups gnomAD compares: Non-Finnish European, 0.000085%; no homozygotes.

Submission:

Ambry Genetics
Classification: Uncertain significance for Cardiovascular phenotype. Last evaluated: 2018-02-07. Review status: criteria provided, single submitter. Criteria: Ambry Variant Classification Scheme 2023. Collection method: clinical testing. Allele origin: germline.
Comment: The p.P10168S variant (also known as c.30502C>T), located in coding exon 122 of the TTN gene, results from a C to T substitution at nucleotide position 30502. The proline at codon 10168 is replaced by serine, an amino acid with similar properties. This amino acid position is not well conserved in available vertebrate species, and serine is the reference amino acid in other vertebrate species. In addition, this alteration is predicted to be tolerated by in silico analysis. Since supporting evidence is limited at this time, the clinical significance of this alteration remains unclear.

NM_001267550.2(TTN):c.57697C>T (p.Pro19233Ser)

Genes: TTN (titin; minus strand), TTN-AS1 (TTN antisense RNA 1; plus strand). Cytogenetic location: 2q31.2.
Variant type: single nucleotide variant.
Coding change: c.57697C>T on transcript NM_001267550.2 (MANE Select); coding-DNA position 57697, C replaced by T.
Protein change: p.Pro19233Ser; replaces proline 19233 with serine.
Molecular consequence: missense variant.
Genome position (GRCh38, 1-based): chr2:178,595,657, G>A on the plus strand (C>T on the coding strand, the complement: TTN is on the minus strand). VCF-style: chr2-178595657-G-A. GRCh37 (hg19) VCF-style: chr2-179460384-G-A.
Other names: c.52774C>T, p.Pro17592Ser (NM_001256850.1); c.30502C>T, p.Pro10168Ser (NM_003319.4); c.49993C>T, p.Pro16665Ser (NM_133378.4); c.30877C>T, p.Pro10293Ser (NM_133432.3); c.31078C>T, p.Pro10360Ser (NM_133437.4); short protein forms P16665S, P19233S, P10168S, P10360S, P17592S, P10293S.
Identifiers: ClinVar variation 1799264 (VCV001799264.2), dbSNP rs766143106, ClinGen allele CA1993006.